The following is an entry in ClinVar:

NM_022124.6(CDH23):c.4947G>A (p.Thr1649=)

Gene: CDH23 (cadherin related 23; plus strand). Cytogenetic location: 10q22.1.
Variant type: single nucleotide variant.
Coding change: c.4947G>A on transcript NM_022124.6 (MANE Select); coding-DNA position 4947, G replaced by A.
Protein change: p.Thr1649=; no amino-acid change (threonine 1649 retained).
Molecular consequence: synonymous variant.
Genome position (GRCh38, 1-based): chr10:71,777,781, G>A. VCF-style: chr10-71777781-G-A. GRCh37 (hg19) VCF-style: chr10-73537538-G-A.
Identifiers: ClinVar variation 227226 (VCV000227226.43), dbSNP rs373046094, ClinGen allele CA5545594.

ClinVar aggregate classification (germline): Likely benign. Review status: criteria provided, multiple submitters, no conflicts (2 of 4 stars). 6 submissions from 6 submitters: Likely benign (5). 1 of the submissions does not count toward it. Last evaluated 2026-01-26.

Conditions:
CDH23-related disorder. Also called: CDH23-related disorders; CDH23-related condition.

Allele frequency attached by ClinVar (database versions not stated): 1000 Genomes Project 30x 0.00016; 1000 Genomes Project 0.00020; TOPMed 0.00042; gnomAD 0.00046 and 0.00047; ESP Exome Variant Server 0.00047; gnomAD exomes 0.00075; ExAC 0.00112.
gnomAD v4.1: 1,096 of 1,613,832 alleles (0.068%); highest among the groups gnomAD compares: Non-Finnish European, 0.078%; 1 homozygote.

Submissions (6):

Labcorp Genetics (formerly Invitae), Labcorp
Classification: Likely benign. Last evaluated: 2026-01-26. Review status: criteria provided, single submitter. Criteria: Invitae Variant Classification Sherloc (09022015). Collection method: clinical testing. Allele origin: germline.

Blueprint Genetics
Classification: Likely benign. Last evaluated: 2024-11-13. Review status: criteria provided, single submitter. Criteria: ACMG Guidelines, 2015. Collection method: clinical testing. Allele origin: germline.

CeGaT Center for Human Genetics Tuebingen
Classification: Likely benign. Last evaluated: 2022-09-01. Review status: criteria provided, single submitter. Criteria: CeGaT Center For Human Genetics Tuebingen Variant Classification Criteria Version 2. Collection method: clinical testing. Allele origin: germline. Affected: yes. Observed: 1 variant allele.
Comment: CDH23: BP4, BP7

GeneDx
Classification: Likely benign. Last evaluated: 2020-08-11. Review status: criteria provided, single submitter. Criteria: GeneDx Variant Classification Process June 2021. Collection method: clinical testing. Allele origin: germline. Affected: yes.

Laboratory for Molecular Medicine, Mass General Brigham Personalized Medicine
Classification: Likely benign. Last evaluated: 2016-03-22. Review status: criteria provided, single submitter. Criteria: LMM Criteria. Collection method: clinical testing. Allele origin: germline. Observed: 2 variant alleles.
Comment: p.Thr1649Thr in Exon 39 of CDH23: This variant is not expected to have clinical significance because it does not alter an amino acid residue, is not located wit hin the splice consensus sequence, and has been identified in 0.2% (121/ 65676) of European chromosomes by the Exome Aggregation Consortium (ExAC; dbSNP rs373046094).

PreventionGenetics, part of Exact Sciences
Classification: Likely benign for CDH23-related condition. Last evaluated: 2019-07-22. Review status: no assertion criteria provided. Collection method: clinical testing. Allele origin: germline. Not counted in ClinVar's aggregate classification.
Comment: This variant is classified as likely benign based on ACMG/AMP sequence variant interpretation guidelines (Richards et al. 2015 PMID: 25741868, with internal and published modifications).